The following is an entry in ClinVar:

ClinVar aggregate classification (germline): Pathogenic (1 of 4 stars; one submission).

Submission:

Labcorp Genetics (formerly Invitae), Labcorp
Classification: Pathogenic. Last evaluated: 2024-02-02. Review status: criteria provided, single submitter. Criteria: Invitae Variant Classification Sherloc (09022015). Collection method: clinical testing. Allele origin: germline.
Comment: This sequence change creates a premature translational stop signal (p.Trp401*) in the TSEN54 gene. It is expected to result in an absent or disrupted protein product. Loss-of-function variants in TSEN54 are known to be pathogenic (PMID: 18711368, 20952379). This variant is not present in population databases (gnomAD no frequency). This variant has not been reported in the literature in individuals affected with TSEN54-related conditions. Algorithms developed to predict the effect of sequence changes on RNA splicing suggest that this variant may disrupt the consensus splice site. For these reasons, this variant has been classified as Pathogenic.

Literature cited by the submitters: PubMed 18711368; PubMed 20952379.

NM_207346.3(TSEN54):c.1203G>A (p.Trp401Ter)

Gene: TSEN54 (tRNA splicing endonuclease subunit 54; plus strand). Cytogenetic location: 17q25.1.
Variant type: single nucleotide variant.
Coding change: c.1203G>A on transcript NM_207346.3 (MANE Select); coding-DNA position 1203, G replaced by A.
Protein change: p.Trp401Ter; replaces tryptophan 401 with a stop codon.
Molecular consequence: nonsense.
Genome position (GRCh38, 1-based): chr17:75,522,284, G>A. VCF-style: chr17-75522284-G-A. GRCh37 (hg19) VCF-style: chr17-73518365-G-A.
Other names: short protein forms W401*.
Identifiers: ClinVar variation 3638338 (VCV003638338.2).